The following is an entry in ClinVar:

NM_001843.4(CNTN1):c.1078C>G (p.Pro360Ala)

Gene: CNTN1 (contactin 1; plus strand). Cytogenetic location: 12q12.
Variant type: single nucleotide variant.
Coding change: c.1078C>G on transcript NM_001843.4 (MANE Select); coding-DNA position 1078, C replaced by G.
Protein change: p.Pro360Ala; replaces proline 360 with alanine.
Molecular consequence: missense variant.
Genome position (GRCh38, 1-based): chr12:40,936,873, C>G. VCF-style: chr12-40936873-C-G. GRCh37 (hg19) VCF-style: chr12-41330675-C-G.
Other names: c.1078C>G, p.Pro360Ala (NM_001256063.2, NM_001256064.2); c.1045C>G, p.Pro349Ala (NM_175038.2); short protein forms P360A, P349A.
Identifiers: ClinVar variation 1910405 (VCV001910405.5), dbSNP rs1946100130, ClinGen allele CA384423777.

ClinVar aggregate classification (germline): Uncertain significance (1 of 4 stars; one submission).

Conditions:
Compton-North congenital myopathy (CMYO12). Identifiers: Orphanet 210163, MedGen C2675527, MONDO:0012929, OMIM 612540.

Submission:

Labcorp Genetics (formerly Invitae), Labcorp
Classification: Uncertain significance for Compton-North congenital myopathy. Last evaluated: 2022-10-17. Review status: criteria provided, single submitter. Criteria: Invitae Variant Classification Sherloc (09022015). Collection method: clinical testing. Allele origin: germline.
Comment: This sequence change replaces proline, which is neutral and non-polar, with alanine, which is neutral and non-polar, at codon 360 of the CNTN1 protein (p.Pro360Ala). This variant is not present in population databases (gnomAD no frequency). This variant has not been reported in the literature in individuals affected with CNTN1-related conditions. Algorithms developed to predict the effect of missense changes on protein structure and function (SIFT, PolyPhen-2, Align-GVGD) all suggest that this variant is likely to be disruptive. In summary, the available evidence is currently insufficient to determine the role of this variant in disease. Therefore, it has been classified as a Variant of Uncertain Significance.